The following is an entry in ClinVar:

NM_003000.3(SDHB):c.284A>T (p.Glu95Val)

Gene: SDHB (succinate dehydrogenase complex iron sulfur subunit B; minus strand). Cytogenetic location: 1p36.13.
Variant type: single nucleotide variant.
Coding change: c.284A>T on transcript NM_003000.3 (MANE Select); coding-DNA position 284, A replaced by T.
Protein change: p.Glu95Val; replaces glutamic acid 95 with valine.
Molecular consequence: missense variant.
Genome position (GRCh38, 1-based): chr1:17,033,062, T>A on the plus strand (A>T on the coding strand, the complement: SDHB is on the minus strand). VCF-style: chr1-17033062-T-A. GRCh37 (hg19) VCF-style: chr1-17359557-T-A.
Other names: c.284A>T, p.Glu95Val (NM_001407361.1); short protein forms E95V.
Identifiers: ClinVar variation 2625089 (VCV002625089.2), dbSNP rs2525031345, ClinGen allele CA338276386.

ClinVar aggregate classification (germline): Uncertain significance (1 of 4 stars; one submission).

Conditions:
Hereditary cancer-predisposing syndrome. Also called: Tumor predisposition; Hereditary Cancer Syndrome; Hereditary neoplastic syndrome; Neoplastic Syndromes, Hereditary. Identifiers: Orphanet 140162, MedGen C0027672, MeSH D009386, MONDO:0015356.

Submission:

Ambry Genetics
Classification: Uncertain significance for Hereditary cancer-predisposing syndrome. Last evaluated: 2023-07-09. Review status: criteria provided, single submitter. Criteria: Ambry Variant Classification Scheme 2023. Collection method: clinical testing. Allele origin: germline.
Comment: The p.E95V variant (also known as c.284A>T), located in coding exon 3 of the SDHB gene, results from an A to T substitution at nucleotide position 284. The glutamic acid at codon 95 is replaced by valine, an amino acid with dissimilar properties. This amino acid position is conserved. In addition, this alteration is predicted to be deleterious by in silico analysis. Since supporting evidence is limited at this time, the clinical significance of this alteration remains unclear.